The following is an entry in ClinVar:

NM_006393.3(NEBL):c.1790A>C (p.Lys597Thr)

Gene: NEBL (nebulette; minus strand). Cytogenetic location: 10p12.31.
Variant type: single nucleotide variant.
Coding change: c.1790A>C on transcript NM_006393.3 (MANE Select); coding-DNA position 1790, A replaced by C.
Protein change: p.Lys597Thr; replaces lysine 597 with threonine.
Molecular consequence: missense variant. On other transcripts: intron variant (9).
Genome position (GRCh38, 1-based): chr10:20,826,526, T>G on the plus strand (A>C on the coding strand, the complement: NEBL is on the minus strand). VCF-style: chr10-20826526-T-G. GRCh37 (hg19) VCF-style: chr10-21115455-T-G.
Other names: c.250-13586A>C (NM_001377326.1, NM_001377327.1, NM_001377328.1); c.358-13586A>C (NM_213569.2, NM_001173484.2, NM_001377322.1); c.301-13586A>C (NM_001377324.1); c.292-13586A>C (NM_001377325.1); c.310-13586A>C (NM_001377323.1); short protein forms K597T.
Identifiers: ClinVar variation 2640343 (VCV002640343.24), dbSNP rs2491722927, ClinGen allele CA376096226.

ClinVar aggregate classification (germline): Uncertain significance (1 of 4 stars; one submission).

Submission:

CeGaT Center for Human Genetics Tuebingen
Classification: Uncertain significance. Last evaluated: 2022-12-01. Review status: criteria provided, single submitter. Criteria: CeGaT Center For Human Genetics Tuebingen Variant Classification Criteria Version 2. Collection method: clinical testing. Allele origin: germline. Affected: yes. Observed: 1 variant allele.
Comment: NEBL: PM2, BP4